The following is an entry in ClinVar:

NM_019023.5(PRMT7):c.477T>A (p.Tyr159Ter)

Gene: PRMT7 (protein arginine methyltransferase 7; plus strand). Cytogenetic location: 16q22.1.
Variant type: single nucleotide variant.
Coding change: c.477T>A on transcript NM_019023.5 (MANE Select); coding-DNA position 477, T replaced by A.
Protein change: p.Tyr159Ter; replaces tyrosine 159 with a stop codon.
Molecular consequence: nonsense. On other transcripts: non-coding transcript variant (12).
Genome position (GRCh38, 1-based): chr16:68,337,544, T>A. VCF-style: chr16-68337544-T-A. GRCh37 (hg19) VCF-style: chr16-68371447-T-A.
Other names: c.327T>A, p.Tyr109Ter (NM_001184824.4); c.477T>A, p.Tyr159Ter (NM_001290018.2, NM_001351143.3, NM_001351144.3 and 1 more transcripts); c.270T>A, p.Tyr90Ter (NM_001378020.1); c.240T>A, p.Tyr80Ter (NM_001378021.1, NM_001378022.1, NM_001378023.1); short protein forms Y109*, Y159*, Y80*, Y90*.
Identifiers: ClinVar variation 3366822 (VCV003366822.3).
Genomic context (GRCh38, chr16:68,337,544, plus strand): 5'-CATCCTGGTCACAGAGTTGTTTGACACAGAGCTGATCGGGGAGGGGGCGCTGCCCTCCTA[T>A]GAGCACGCACACAGGCATCTCGTGGAGGTAGTAGACGGAGGGCTCCCTCAGACGTGTCTG-3'

ClinVar aggregate classification (germline): Pathogenic. Review status: criteria provided, multiple submitters, no conflicts (2 of 4 stars). 2 submissions from 2 submitters: Pathogenic (2). Last evaluated 2024-11-11.

Conditions:
Short stature-brachydactyly-obesity-global developmental delay syndrome. Also called: Short stature, brachydactyly, intellectual developmental disability, and seizures; SHORT STATURE, BRACHYDACTYLY, IMPAIRED INTELLECTUAL DEVELOPMENT, AND SEIZURES. Identifiers: Orphanet 464288, MedGen C4310689, MONDO:0014944, OMIM 617157.

gnomAD v4.1: 1 of 1,610,992 alleles (0.000062%); highest among the groups gnomAD compares: Admixed American, 0.0017%; no homozygotes.

Submissions (2):

Labcorp Genetics (formerly Invitae), Labcorp
Classification: Pathogenic. Last evaluated: 2024-11-11. Review status: criteria provided, single submitter. Criteria: Invitae Variant Classification Sherloc (09022015). Collection method: clinical testing. Allele origin: germline.
Comment: This sequence change creates a premature translational stop signal (p.Tyr159*) in the PRMT7 gene. It is expected to result in an absent or disrupted protein product. Loss-of-function variants in PRMT7 are known to be pathogenic (PMID: 26437029, 27718516). This variant is not present in population databases (gnomAD no frequency). This variant has not been reported in the literature in individuals affected with PRMT7-related conditions. Algorithms developed to predict the effect of sequence changes on RNA splicing suggest that this variant may disrupt the consensus splice site. For these reasons, this variant has been classified as Pathogenic.

Women's Health and Genetics/Laboratory Corporation of America, LabCorp
Classification: Pathogenic for Short stature-brachydactyly-obesity-global developmental delay syndrome. Last evaluated: 2024-08-30. Review status: criteria provided, single submitter. Criteria: LabCorp Variant Classification Summary - May 2015. Collection method: clinical testing. Allele origin: germline.
Comment: Variant summary: PRMT7 c.477T>A (p.Tyr159X) results in a premature termination codon, predicted to cause a truncation of the encoded protein or absence of the protein due to nonsense mediated decay, which are commonly known mechanisms for disease. The variant was absent in 250228 control chromosomes. To our knowledge, no occurrence of c.477T>A in individuals affected with Short Stature, Brachydactyly, Intellectual Developmental Disability, And Seizures and no experimental evidence demonstrating its impact on protein function have been reported. No submitters have cited clinical-significance assessments for this variant to ClinVar. Based on the evidence outlined above, the variant was classified as pathogenic.

Literature cited by the submitters: PubMed 26437029 (cited by Labcorp Genetics (formerly Invitae), Labcorp); PubMed 27718516 (cited by Labcorp Genetics (formerly Invitae), Labcorp).